The following is an entry in ClinVar:

ClinVar aggregate classification (germline): Uncertain significance. Review status: criteria provided, multiple submitters, no conflicts (2 of 4 stars). 2 submissions from 2 submitters: Uncertain significance (2). Last evaluated 2026-03-18.

Conditions:
Osteogenesis imperfecta type I (OI1). Also called: OI, TYPE I; OSTEOGENESIS IMPERFECTA TARDA; OSTEOGENESIS IMPERFECTA WITH BLUE SCLERAE; Osteogenesis imperfecta type 1; Lobstein's Disease; Lobstein disease. Identifiers: Orphanet 216796, Orphanet 666, MedGen C0023931, MONDO:0008146, OMIM 166200. Disease mechanism: loss of function.

Allele frequency attached by ClinVar (database versions not stated): TOPMed below 0.00001; gnomAD 0.00001.
gnomAD v4.1: 3 of 1,606,200 alleles (0.00019%); highest among the groups gnomAD compares: African/African-American, 0.0013%; no homozygotes.

Submissions (2):

Dasa
Classification: Uncertain significance. Last evaluated: 2026-03-18. Review status: criteria provided, single submitter. Criteria: DASA Assertion Criteria. Collection method: clinical testing. Allele origin: germline.
Comment: NM_000088.4(COL1A1):c.2159G>A (p.Ser720Asn) is a missense variant that results in the substitution of serine with asparagine. This variant is rare in population databases. The currently available literature and clinical evidence are not sufficient to establish a definitive association between this variant and the reported condition. Therefore, this variant is classified as a variant of uncertain significance.

Labcorp Genetics (formerly Invitae), Labcorp
Classification: Uncertain significance for Osteogenesis imperfecta type I. Last evaluated: 2025-09-01. Review status: criteria provided, single submitter. Criteria: Invitae Variant Classification Sherloc (09022015). Collection method: clinical testing. Allele origin: germline.
Comment: This sequence change replaces serine, which is neutral and polar, with asparagine, which is neutral and polar, at codon 720 of the COL1A1 protein (p.Ser720Asn). This variant is not present in population databases (gnomAD no frequency). This variant has not been reported in the literature in individuals affected with COL1A1-related conditions. ClinVar contains an entry for this variant (Variation ID: 2888471). Invitae Evidence Modeling of protein sequence and biophysical properties (such as structural, functional, and spatial information, amino acid conservation, physicochemical variation, residue mobility, and thermodynamic stability) indicates that this missense variant is not expected to disrupt COL1A1 protein function with a negative predictive value of 95%. In summary, the available evidence is currently insufficient to determine the role of this variant in disease. Therefore, it has been classified as a Variant of Uncertain Significance.

NM_000088.4(COL1A1):c.2159G>A (p.Ser720Asn)

Gene: COL1A1 (collagen type I alpha 1 chain; minus strand). Cytogenetic location: 17q21.33.
Variant type: single nucleotide variant.
Coding change: c.2159G>A on transcript NM_000088.4 (MANE Select); coding-DNA position 2159, G replaced by A.
Protein change: p.Ser720Asn; replaces serine 720 with asparagine.
Molecular consequence: missense variant.
Genome position (GRCh38, 1-based): chr17:50,191,459, C>T on the plus strand (G>A on the coding strand, the complement: COL1A1 is on the minus strand). VCF-style: chr17-50191459-C-T. GRCh37 (hg19) VCF-style: chr17-48268820-C-T.
Other names: short protein forms S720N.
Identifiers: ClinVar variation 2888471 (VCV002888471.5), dbSNP rs1907070753, ClinGen allele CA400211308.
Genomic context (GRCh38, chr17:50,191,459, plus strand): 5'-CCTGGAAGACCAGCTGCACCACGTTCACCAGGCATTCCCTGAAGGCCAGGGGCGCCCTGG[C>T]TACCGGGAGCTCCAGGGGCACCAGCATCACCCTATGTGACAACCAAGAAGACTGGAGTGA-3'
Protein context (NP_000079.2, residues 710-730): GDAGAPGAPG[Ser720Asn]QGAPGLQGMP